The following is an entry in ClinVar:

NM_138387.4(G6PC3):c.311G>T (p.Cys104Phe)

Gene: G6PC3 (glucose-6-phosphatase catalytic subunit 3; plus strand). Cytogenetic location: 17q21.31.
Variant type: single nucleotide variant.
Coding change: c.311G>T on transcript NM_138387.4 (MANE Select); coding-DNA position 311, G replaced by T.
Protein change: p.Cys104Phe; replaces cysteine 104 with phenylalanine.
Molecular consequence: missense variant. On other transcripts: 5 prime UTR variant (4).
Genome position (GRCh38, 1-based): chr17:44,074,252, G>T. VCF-style: chr17-44074252-G-T. GRCh37 (hg19) VCF-style: chr17-42151620-G-T.
Other names: c.311G>T, p.Cys104Phe (NM_001319945.2); c.-35G>T (NM_001384165.1, NM_001384166.1, NM_001384167.1 and 1 more transcripts); short protein forms C104F.
Identifiers: ClinVar variation 4027592 (VCV004027592.1).

ClinVar aggregate classification (germline): Uncertain significance (1 of 4 stars; one submission).

Conditions:
Inborn genetic diseases. Identifiers: MedGen C0950123, MeSH D030342.

Submission:

Ambry Genetics
Classification: Uncertain significance for Inborn genetic diseases. Last evaluated: 2025-04-29. Review status: criteria provided, single submitter. Criteria: Ambry Variant Classification Scheme 2023. Collection method: clinical testing. Allele origin: germline.
Comment: The p.C104F variant (also known as c.311G>T), located in coding exon 2 of the G6PC3 gene, results from a G to T substitution at nucleotide position 311. The cysteine at codon 104 is replaced by phenylalanine, an amino acid with highly dissimilar properties. This amino acid position is conserved. In addition, this alteration is predicted to be deleterious by in silico analysis. Based on the available evidence, the clinical significance of this variant remains unclear.